The following is an entry in ClinVar:

NM_014915.3(ANKRD26):c.968T>C (p.Leu323Pro)

Gene: ANKRD26 (ankyrin repeat domain 26; minus strand). Cytogenetic location: 10p12.1.
Variant type: single nucleotide variant.
Coding change: c.968T>C on transcript NM_014915.3 (MANE Select); coding-DNA position 968, T replaced by C.
Protein change: p.Leu323Pro; replaces leucine 323 with proline.
Molecular consequence: missense variant.
Genome position (GRCh38, 1-based): chr10:27,077,447, A>G on the plus strand (T>C on the coding strand, the complement: ANKRD26 is on the minus strand). VCF-style: chr10-27077447-A-G. GRCh37 (hg19) VCF-style: chr10-27366376-A-G.
Other names: c.968T>C, p.Leu323Pro (NM_001256053.2); short protein forms L323P.
Identifiers: ClinVar variation 4859994 (VCV004859994.1).

ClinVar aggregate classification (germline): Uncertain significance (1 of 4 stars; one submission).

Conditions:
Inborn genetic diseases. Identifiers: MedGen C0950123, MeSH D030342.

Submission:

Ambry Genetics
Classification: Uncertain significance for Inborn genetic diseases. Last evaluated: 2026-06-08. Review status: criteria provided, single submitter. Criteria: Ambry Variant Classification Scheme 2023. Collection method: clinical testing. Allele origin: germline.
Comment: The p.L323P variant (also known as c.968T>C), located in coding exon 9 of the ANKRD26 gene, results from a T to C substitution at nucleotide position 968. The leucine at codon 323 is replaced by proline, an amino acid with similar properties. This amino acid position is conserved. In addition, this alteration is predicted to be tolerated by in silico analysis. Based on the available evidence, the clinical significance of this variant remains unclear.